The following is an entry in ClinVar:

ClinVar aggregate classification (germline): Uncertain significance. Review status: criteria provided, multiple submitters, no conflicts (2 of 4 stars). 2 submissions from 2 submitters: Uncertain significance (2). Last evaluated 2025-09-21.

Conditions:
Juvenile polyposis syndrome (JPS). Identifiers: Orphanet 2929, MedGen C0345893, MONDO:0017380, OMIM 174900.
Hereditary cancer-predisposing syndrome. Also called: Hereditary Cancer Syndrome; Hereditary neoplastic syndrome; Neoplastic Syndromes, Hereditary; Tumor predisposition. Identifiers: Orphanet 140162, MedGen C0027672, MeSH D009386, MONDO:0015356.

Allele frequency attached by ClinVar (database versions not stated): TOPMed below 0.00001; gnomAD 0.00001.

Submissions (2):

Labcorp Genetics (formerly Invitae), Labcorp
Classification: Uncertain significance for Juvenile polyposis syndrome. Last evaluated: 2025-09-21. Review status: criteria provided, single submitter. Criteria: Invitae Variant Classification Sherloc (09022015). Collection method: clinical testing. Allele origin: germline.
Comment: This sequence change replaces valine, which is neutral and non-polar, with leucine, which is neutral and non-polar, at codon 281 of the BMPR1A protein (p.Val281Leu). This variant is not present in population databases (gnomAD no frequency). This variant has not been reported in the literature in individuals affected with BMPR1A-related conditions. ClinVar contains an entry for this variant (Variation ID: 921534). Invitae Evidence Modeling of protein sequence and biophysical properties (such as structural, functional, and spatial information, amino acid conservation, physicochemical variation, residue mobility, and thermodynamic stability) indicates that this missense variant is not expected to disrupt BMPR1A protein function with a negative predictive value of 80%. In summary, the available evidence is currently insufficient to determine the role of this variant in disease. Therefore, it has been classified as a Variant of Uncertain Significance.

Color Diagnostics, LLC DBA Color Health
Classification: Uncertain significance for Hereditary cancer-predisposing syndrome. Last evaluated: 2024-03-06. Review status: criteria provided, single submitter. Criteria: ACMG Guidelines, 2015. Collection method: clinical testing. Allele origin: germline.
Comment: This missense variant replaces valine with leucine at codon 281 of the BMPR1A protein. Computational prediction suggests that this variant may not impact protein structure and function (internally defined REVEL score threshold <= 0.5, PMID: 27666373). Splice site prediction tools suggest that this variant may not impact RNA splicing. To our knowledge, functional studies have not been performed for this variant. This variant has not been reported in individuals affected with hereditary cancer in the literature. This variant has not been identified in the general population by the Genome Aggregation Database (gnomAD). The available evidence is insufficient to determine the role of this variant in disease conclusively. Therefore, this variant is classified as a Variant of Uncertain Significance.

NM_004329.3(BMPR1A):c.841G>C (p.Val281Leu)

Gene: BMPR1A (bone morphogenetic protein receptor type 1A; plus strand). Cytogenetic location: 10q23.2.
Variant type: single nucleotide variant.
Coding change: c.841G>C on transcript NM_004329.3 (MANE Select); coding-DNA position 841, G replaced by C.
Protein change: p.Val281Leu; replaces valine 281 with leucine.
Molecular consequence: missense variant.
Genome position (GRCh38, 1-based): chr10:86,917,299, G>C. VCF-style: chr10-86917299-G-C. GRCh37 (hg19) VCF-style: chr10-88677056-G-C.
Other names: short protein forms V281L.
Identifiers: ClinVar variation 921534 (VCV000921534.14), dbSNP rs141625907, ClinGen allele CA377458695.